The following is an entry in ClinVar:

NM_003052.5(SLC34A1):c.504dup (p.Ile169fs)

Gene: SLC34A1 (solute carrier family 34 member 1; plus strand). Cytogenetic location: 5q35.3.
Variant type: Duplication.
Coding change: c.504dup on transcript NM_003052.5 (MANE Select); coding-DNA position 504, one base duplicated (C; older notation c.504dupC).
Protein change: p.Ile169fs; shifts the reading frame from isoleucine 169.
Molecular consequence: frameshift variant.
Genome position (GRCh38, 1-based): chr5:177,386,538, C duplicated; the last of 2 consecutive C bases (chr5:177,386,537-177,386,538); duplicating either gives the same sequence. VCF-style (leftmost placement, unchanged base first): chr5-177386536-T-TC. GRCh37 (hg19) VCF-style: chr5-176813537-T-TC.
Other names: c.504dup, p.Ile169fs (NM_001167579.2); short protein forms I169fs.
Identifiers: ClinVar variation 2429027 (VCV002429027.5), dbSNP rs1298448088, ClinGen allele CA564491498.
Genomic context (GRCh38, chr5:177,386,536, plus strand): 5'-GCCGGGCTGGTGGTGGGGATCCTGGTGACCGTGCTGGTGCAGAGCTCCAGCACCTCCACA[T>TC]CCATCATCGTCAGCATGGTCTCCTCTGGCTGTGAGTTGGCCCACCAGGGTGGGGAAGAGC-3'

ClinVar aggregate classification (germline): Likely pathogenic (1 of 4 stars; one submission).

Conditions:
SLC34A1-related disorder. Also called: SLC34A1-related disorders; SLC34A1-related condition.

Submission:

Greenwood Genetic Center Diagnostic Laboratories, Greenwood Genetic Center
Classification: Likely pathogenic for SLC34A1-related disorder. Last evaluated: 2022-12-13. Review status: criteria provided, single submitter. Criteria: ACMG Guidelines, 2015. Collection method: clinical testing. Allele origin: germline. Affected: yes.
Comment: PVS1, PM2